The following is an entry in ClinVar:

NM_001372066.1(TFAP2A):c.426C>T (p.Leu142=)

Gene: TFAP2A (transcription factor AP-2 alpha; minus strand). Cytogenetic location: 6p24.3.
Variant type: single nucleotide variant.
Coding change: c.426C>T on transcript NM_001372066.1 (MANE Select); coding-DNA position 426, C replaced by T.
Protein change: p.Leu142=; no amino-acid change (leucine 142 retained).
Molecular consequence: synonymous variant.
Genome position (GRCh38, 1-based): chr6:10,409,961, G>A on the plus strand (C>T on the coding strand, the complement: TFAP2A is on the minus strand). VCF-style: chr6-10409961-G-A. GRCh37 (hg19) VCF-style: chr6-10410194-G-A.
Other names: NM_003220.2:c.420C>T; c.402C>T, p.Leu134= (NM_001032280.3); c.408C>T, p.Leu136= (NM_001042425.3).
Identifiers: ClinVar variation 774641 (VCV000774641.14), dbSNP rs369051842, ClinGen allele CA3631341.
Genomic context (GRCh38, chr6:10,409,961, plus strand): 5'-CGGGACCTCCTCGATGGCGTGAGGTAAGGAGTGGATCGAGAGGTCTCCGAGTCCTGAGCT[G>A]AGCGCGTGTGGGCCGTGCAGGAGGTCCTCGTGCCGCCTGTAGTCCCTGCGAGGATCCAGG-3'
Protein context (NP_001358995.1, residues 132-152): HEDLLHGPHA[Leu142=]SSGLGDLSIH

ClinVar aggregate classification (germline): Benign/Likely benign. Review status: criteria provided, multiple submitters, no conflicts (2 of 4 stars). 5 submissions from 5 submitters: Benign (1); Likely benign (4). Last evaluated 2026-07-01.

Conditions:
Branchiooculofacial syndrome (BOFS). Also called: BOF SYNDROME; HEMANGIOMATOUS BRANCHIAL CLEFTS-LIP PSEUDOCLEFT SYNDROME; LIP PSEUDOCLEFT-HEMANGIOMATOUS BRANCHIAL CYST SYNDROME; Branchio-Oculo-Facial Syndrome. Identifiers: Orphanet 1297, MedGen C0376524, MeSH D019280, MONDO:0007235, OMIM 113620.

Allele frequency attached by ClinVar (database versions not stated): gnomAD exomes 0.00052 and 0.00102; gnomAD 0.00063 and 0.00067; TOPMed 0.00063; ESP Exome Variant Server 0.00078; ExAC 0.00144.
gnomAD v4.1: 1,524 of 1,575,718 alleles (0.097%); highest among the groups gnomAD compares: Non-Finnish European, 0.12%; 1 homozygote.

Submissions (5):

CeGaT Center for Human Genetics Tuebingen
Classification: Likely benign. Last evaluated: 2026-07-01. Review status: criteria provided, single submitter. Criteria: CeGaT Center For Human Genetics Tuebingen Variant Classification Criteria Version 2. Collection method: clinical testing. Allele origin: germline. Affected: yes. Observed: 1 variant allele.
Comment: TFAP2A: BP4, BP7, BS1

Labcorp Genetics (formerly Invitae), Labcorp
Classification: Benign. Last evaluated: 2026-01-13. Review status: criteria provided, single submitter. Criteria: Invitae Variant Classification Sherloc (09022015). Collection method: clinical testing. Allele origin: germline.

Blueprint Genetics
Classification: Likely benign. Last evaluated: 2024-10-09. Review status: criteria provided, single submitter. Criteria: ACMG Guidelines, 2015. Collection method: clinical testing. Allele origin: germline.

Fulgent Genetics
Classification: Likely benign for Branchiooculofacial syndrome. Last evaluated: 2021-07-14. Review status: criteria provided, single submitter. Criteria: ACMG Guidelines, 2015. Collection method: clinical testing. Allele origin: unknown.

GeneDx
Classification: Likely benign. Last evaluated: 2021-02-19. Review status: criteria provided, single submitter. Criteria: GeneDx Variant Classification Process June 2021. Collection method: clinical testing. Allele origin: germline. Affected: yes.
Comment: This variant is associated with the following publications: (PMID: 19685247)